The following is an entry in ClinVar:

ClinVar aggregate classification (germline): Uncertain significance (1 of 4 stars; one submission).

Conditions:
Joubert syndrome. Also called: CEREBELLOPARENCHYMAL DISORDER IV; JOUBERT-BOLTSHAUSER SYNDROME; Familial aplasia of the vermis. Identifiers: Orphanet 475, MedGen C5979921, MONDO:0018772.
Nephronophthisis. Also called: Juvenile Nephronophthisis. Identifiers: Orphanet 655, MedGen C0687120, MONDO:0019005, HP:0000090.
Meckel-Gruber syndrome. Also called: DYSENCEPHALIA SPLANCHNOCYSTICA; GRUBER SYNDROME; Dysencephalia splachnocystica. Identifiers: Orphanet 564, MedGen C0265215, MONDO:0018921.

Submission:

Labcorp Genetics (formerly Invitae), Labcorp
Classification: Uncertain significance for Joubert syndrome; Meckel-Gruber syndrome; Nephronophthisis. Last evaluated: 2022-12-06. Review status: criteria provided, single submitter. Criteria: Invitae Variant Classification Sherloc (09022015). Collection method: clinical testing. Allele origin: germline.
Comment: In summary, the available evidence is currently insufficient to determine the role of this variant in disease. Therefore, it has been classified as a Variant of Uncertain Significance. Advanced modeling of protein sequence and biophysical properties (such as structural, functional, and spatial information, amino acid conservation, physicochemical variation, residue mobility, and thermodynamic stability) performed at Invitae indicates that this missense variant is not expected to disrupt CEP290 protein function. This variant has not been reported in the literature in individuals affected with CEP290-related conditions. This variant is not present in population databases (gnomAD no frequency). This sequence change replaces alanine, which is neutral and non-polar, with glycine, which is neutral and non-polar, at codon 774 of the CEP290 protein (p.Ala774Gly).

NM_025114.4(CEP290):c.2321C>G (p.Ala774Gly)

Gene: CEP290 (centrosomal protein 290; minus strand). Cytogenetic location: 12q21.32.
Variant type: single nucleotide variant.
Coding change: c.2321C>G on transcript NM_025114.4 (MANE Select); coding-DNA position 2321, C replaced by G.
Protein change: p.Ala774Gly; replaces alanine 774 with glycine.
Molecular consequence: missense variant.
Genome position (GRCh38, 1-based): chr12:88,111,248, G>C on the plus strand (C>G on the coding strand, the complement: CEP290 is on the minus strand). VCF-style: chr12-88111248-G-C. GRCh37 (hg19) VCF-style: chr12-88505025-G-C.
Other names: short protein forms A774G.
Identifiers: ClinVar variation 2072447 (VCV002072447.4), dbSNP rs1475759325, ClinGen allele CA385974529.